The following is an entry in ClinVar:

ClinVar aggregate classification (germline): Pathogenic (1 of 4 stars; one submission).

Conditions:
Duchenne muscular dystrophy (DMD). Also called: Duchenne Muscular Dystrophy (DMD); MUSCULAR DYSTROPHY, PSEUDOHYPERTROPHIC PROGRESSIVE, DUCHENNE TYPE. Identifiers: Orphanet 98896, MedGen C0013264, MONDO:0010679, OMIM 310200.

Submission:

Labcorp Genetics (formerly Invitae), Labcorp
Classification: Pathogenic for Duchenne muscular dystrophy. Last evaluated: 2025-01-14. Review status: criteria provided, single submitter. Criteria: Invitae Variant Classification Sherloc (09022015). Collection method: clinical testing. Allele origin: germline.
Comment: This sequence change creates a premature translational stop signal (p.Ser738*) in the DMD gene. It is expected to result in an absent or disrupted protein product. Loss-of-function variants in DMD are known to be pathogenic (PMID: 16770791, 25007885). This variant is not present in population databases (gnomAD no frequency). This premature translational stop signal has been observed in individual(s) with DMD-related conditions (PMID: 27122458, 30833962, 31130284). For these reasons, this variant has been classified as Pathogenic.

Literature cited by the submitters: PubMed 16770791; PubMed 25007885; PubMed 27122458; PubMed 30833962; PubMed 31130284.

NM_004006.3(DMD):c.2213C>G (p.Ser738Ter)

Gene: DMD (dystrophin; minus strand). Cytogenetic location: Xp21.1.
Variant type: single nucleotide variant.
Coding change: c.2213C>G on transcript NM_004006.3 (MANE Select); coding-DNA position 2213, C replaced by G.
Protein change: p.Ser738Ter; replaces serine 738 with a stop codon.
Molecular consequence: nonsense.
Genome position (GRCh38, 1-based): chrX:32,518,087, G>C on the plus strand (C>G on the coding strand, the complement: DMD is on the minus strand). VCF-style: chrX-32518087-G-C. GRCh37 (hg19) VCF-style: chrX-32536204-G-C.
Other names: c.2189C>G, p.Ser730Ter (NM_000109.4); c.2201C>G, p.Ser734Ter (NM_004009.3); c.1844C>G, p.Ser615Ter (NM_004010.3); short protein forms S615*, S730*, S734*, S738*.
Identifiers: ClinVar variation 3724174 (VCV003724174.2), dbSNP rs1338930949.
Genomic context (GRCh38, chrX:32,518,087, plus strand): 5'-TCTGAGAAGTTGCCTTCCTTCCGAAAGATTGCAAATTCAGGACTCTGCAACACAGCTTCT[G>C]AGCGAGTAATCCAGCTGTGAAGTTCAGTTATATCAACATCCAACCTAAGACAGCAAAAAA-3'